The following is an entry in ClinVar:

NM_001035.3(RYR2):c.11476+1G>A

Gene: RYR2 (ryanodine receptor 2; plus strand). Cytogenetic location: 1q43.
Variant type: single nucleotide variant.
Coding change: c.11476+1G>A on transcript NM_001035.3 (MANE Select); the canonical splice donor site of the intron after coding-DNA position 11476, G replaced by A.
Molecular consequence: splice donor variant.
Genome position (GRCh38, 1-based): chr1:237,761,029, G>A. VCF-style: chr1-237761029-G-A. GRCh37 (hg19) VCF-style: chr1-237924329-G-A.
Identifiers: ClinVar variation 3073549 (VCV003073549.1), dbSNP rs2527466567, ClinGen allele CA345430196.

ClinVar aggregate classification (germline): Uncertain significance (1 of 4 stars; one submission).

Conditions:
Catecholaminergic polymorphic ventricular tachycardia (CVPT). Also called: Catecholamine-induced polymorphic ventricular tachycardia. Identifiers: Orphanet 3286, MedGen C5574922, MONDO:0017990.

Submission:

All of Us Research Program, National Institutes of Health
Classification: Uncertain significance for Catecholaminergic polymorphic ventricular tachycardia. Last evaluated: 2023-10-02. Review status: criteria provided, single submitter. Criteria: ACMG Guidelines, 2015. Collection method: clinical testing. Allele origin: germline. Inheritance: Autosomal dominant inheritance. Observed: 1 variant allele, 1 heterozygote.
Comment: This variant alters the intron 84 canonical splice donor site of the RYR2 gene. Splice site prediction tools suggest that this variant may disrupt RNA splicing. To our knowledge, RNA studies have not been reported for this variant. This variant has not been reported in individuals affected with RYR2-related disorders in the literature. This variant has not been identified in the general population by the Genome Aggregation Database (gnomAD). The role of loss-of-function RYR2 truncation and splice variants in autosomal dominant cardiovascular disorders is not clearly established. The available evidence is insufficient to determine the role of this variant in disease conclusively. Therefore, this variant is classified as a Variant of Uncertain Significance.

This study involves interpretation of variants in research participants for the purpose of population health screening. Participant phenotype was not available at the time of variant classification. Additional details can be found in publication PMID: 35346344, PMCID: PMC8962531